The following is an entry in ClinVar:

ClinVar aggregate classification (germline): Uncertain significance (1 of 4 stars; one submission).

gnomAD v4.1: 15 of 1,613,814 alleles (0.00093%); highest among the groups gnomAD compares: Admixed American, 0.0017%; no homozygotes.

Submission:

Women's Health and Genetics/Laboratory Corporation of America, LabCorp
Classification: Uncertain significance. Last evaluated: 2024-11-25. Review status: criteria provided, single submitter. Criteria: LabCorp Variant Classification Summary - May 2015. Collection method: clinical testing. Allele origin: germline.
Comment: Variant summary: SLC39A5 c.925C>T (p.Arg309Trp) results in a non-conservative amino acid change in the encoded protein sequence. Four of five in-silico tools predict a damaging effect of the variant on protein function. The variant allele was found at a frequency of 2e-05 in 251058 control chromosomes. The available data on variant occurrences in the general population are insufficient to allow any conclusion about variant significance. To our knowledge, no occurrence of c.925C>T in individuals affected with Myopia 24, Autosomal Dominant and no experimental evidence demonstrating its impact on protein function have been reported. No submitters have cited clinical-significance assessments for this variant to ClinVar. Based on the evidence outlined above, the variant was classified as uncertain significance.

NM_173596.3(SLC39A5):c.925C>T (p.Arg309Trp)

Gene: SLC39A5 (solute carrier family 39 member 5; plus strand). Cytogenetic location: 12q13.3.
Variant type: single nucleotide variant.
Coding change: c.925C>T on transcript NM_173596.3 (MANE Select); coding-DNA position 925, C replaced by T.
Protein change: p.Arg309Trp; replaces arginine 309 with tryptophan.
Molecular consequence: missense variant.
Genome position (GRCh38, 1-based): chr12:56,235,680, C>T. VCF-style: chr12-56235680-C-T. GRCh37 (hg19) VCF-style: chr12-56629464-C-T.
Other names: c.925C>T, p.Arg309Trp (NM_001135195.2); short protein forms R309W.
Identifiers: ClinVar variation 3629908 (VCV003629908.1).